The following is an entry in ClinVar:

ClinVar aggregate classification (germline): Uncertain significance (1 of 4 stars; one submission).

Submission:

Labcorp Genetics (formerly Invitae), Labcorp
Classification: Uncertain significance. Last evaluated: 2023-04-23. Review status: criteria provided, single submitter. Criteria: Invitae Variant Classification Sherloc (09022015). Collection method: clinical testing. Allele origin: germline.
Comment: In summary, the available evidence is currently insufficient to determine the role of this variant in disease. Therefore, it has been classified as a Variant of Uncertain Significance. Advanced modeling of protein sequence and biophysical properties (such as structural, functional, and spatial information, amino acid conservation, physicochemical variation, residue mobility, and thermodynamic stability) performed at Invitae indicates that this missense variant is not expected to disrupt ZSWIM6 protein function. This variant has not been reported in the literature in individuals affected with ZSWIM6-related conditions. This variant is not present in population databases (gnomAD no frequency). This sequence change replaces leucine, which is neutral and non-polar, with valine, which is neutral and non-polar, at codon 1196 of the ZSWIM6 protein (p.Leu1196Val).

NM_020928.2(ZSWIM6):c.3586C>G (p.Leu1196Val)

Gene: ZSWIM6 (zinc finger SWIM-type containing 6; plus strand). Cytogenetic location: 5q12.1.
Variant type: single nucleotide variant.
Coding change: c.3586C>G on transcript NM_020928.2 (MANE Select); coding-DNA position 3586, C replaced by G.
Protein change: p.Leu1196Val; replaces leucine 1196 with valine.
Molecular consequence: missense variant.
Genome position (GRCh38, 1-based): chr5:61,544,255, C>G. VCF-style: chr5-61544255-C-G. GRCh37 (hg19) VCF-style: chr5-60840082-C-G.
Other names: short protein forms L1196V.
Identifiers: ClinVar variation 2858564 (VCV002858564.3), dbSNP rs2478410139, ClinGen allele CA359947948.